The following is an entry in ClinVar:

ClinVar aggregate classification (germline): Conflicting classifications of pathogenicity. Review status: criteria provided, conflicting classifications (1 of 4 stars). 4 submissions from 4 submitters: Uncertain significance (3); Likely benign (1). Last evaluated 2026-01-11.

Conditions:
RASopathy. Also called: rasopathies; Noonan spectrum disorder. Identifiers: Orphanet 536391, MedGen C5555857, MONDO:0021060.
Cardiovascular phenotype. Identifiers: MedGen CN230736.
RAF1-related disorder. Also called: RAF1-related disorders; RAF1-related condition.

Allele frequency attached by ClinVar (database versions not stated): gnomAD exomes below 0.00001 and 0.00003; TOPMed 0.00003; ExAC 0.00004; ESP Exome Variant Server 0.00008; 1000 Genomes Project 30x 0.00031; 1000 Genomes Project 0.00040.
gnomAD v4.1: 16 of 1,614,240 alleles (0.00099%); highest among the groups gnomAD compares: African/African-American, 0.016%; no homozygotes.

Submissions (4):

Labcorp Genetics (formerly Invitae), Labcorp
Classification: Uncertain significance for RASopathy. Last evaluated: 2026-01-11. Review status: criteria provided, single submitter. Criteria: Invitae Variant Classification Sherloc (09022015). Collection method: clinical testing. Allele origin: germline.
Comment: This sequence change replaces lysine, which is basic and polar, with arginine, which is basic and polar, at codon 18 of the RAF1 protein (p.Lys18Arg). This variant is present in population databases (rs150944421, gnomAD 0.02%). This variant has not been reported in the literature in individuals affected with RAF1-related conditions. ClinVar contains an entry for this variant (Variation ID: 961784). Invitae Evidence Modeling incorporating data from in vitro experimental studies (internal data) indicates that this missense variant is not expected to disrupt RAF1 function with a negative predictive value of 80%. In summary, the available evidence is currently insufficient to determine the role of this variant in disease. Therefore, it has been classified as a Variant of Uncertain Significance.

GeneDx
Classification: Uncertain significance. Last evaluated: 2024-04-22. Review status: criteria provided, single submitter. Criteria: GeneDx Variant Classification Process June 2021. Collection method: clinical testing. Allele origin: germline. Affected: yes.
Comment: Has not been previously published as pathogenic or benign to our knowledge; In silico analysis indicates that this missense variant does not alter protein structure/function; Missense variants in this gene are a common cause of disease and they are underrepresented in the general population

PreventionGenetics, part of Exact Sciences
Classification: Uncertain significance for RAF1-related condition. Last evaluated: 2023-07-18. Review status: criteria provided, single submitter. Criteria: ACMG Guidelines, 2015. Collection method: clinical testing. Allele origin: germline.
Comment: The RAF1 c.53A>G variant is predicted to result in the amino acid substitution p.Lys18Arg. To our knowledge, this variant has not been reported in the literature. This variant is reported in 0.020% of alleles in individuals of African descent in gnomAD. At this time, the clinical significance of this variant is uncertain due to the absence of conclusive functional and genetic evidence.

Ambry Genetics
Classification: Likely benign for Cardiovascular phenotype. Last evaluated: 2020-02-14. Review status: criteria provided, single submitter. Criteria: Ambry Variant Classification Scheme 2023. Collection method: clinical testing. Allele origin: germline.

NM_002880.4(RAF1):c.53A>G (p.Lys18Arg)

Gene: RAF1 (Raf-1 proto-oncogene, serine/threonine kinase; minus strand). Cytogenetic location: 3p25.2.
Variant type: single nucleotide variant.
Coding change: c.53A>G on transcript NM_002880.4 (MANE Select); coding-DNA position 53, A replaced by G.
Protein change: p.Lys18Arg; replaces lysine 18 with arginine.
Molecular consequence: missense variant. On other transcripts: 5 prime UTR variant (4), non-coding transcript variant (3).
Genome position (GRCh38, 1-based): chr3:12,618,669, T>C on the plus strand (A>G on the coding strand, the complement: RAF1 is on the minus strand). VCF-style: chr3-12618669-T-C. GRCh37 (hg19) VCF-style: chr3-12660168-T-C.
Other names: c.53A>G, p.Lys18Arg (NM_001354689.3, NM_001354690.3, NM_001354693.3); c.-78A>G (NM_001354691.3, NM_001354692.3, NM_001354694.3 and 1 more transcripts); short protein forms K18R.
Identifiers: ClinVar variation 961784 (VCV000961784.13), dbSNP rs150944421, ClinGen allele CA2259847.